The following is an entry in ClinVar:

ClinVar aggregate classification (germline): Likely benign. Review status: criteria provided, multiple submitters, no conflicts (2 of 4 stars). 2 submissions from 2 submitters: Likely benign (2). Last evaluated 2025-01-14.

Conditions:
Familial cancer of breast. Also called: hereditary breast carcinoma; BREAST CANCER, FAMILIAL; Hereditary breast cancer. Identifiers: Orphanet 227535, MedGen C0346153, MONDO:0016419, OMIM 114480. Disease mechanism: loss of function.
Fanconi anemia complementation group J. Also called: BRIP1-Related Fanconi Anemia. Identifiers: Orphanet 84, MedGen C1836860, MONDO:0012187, OMIM 609054.

Submissions (2):

Labcorp Genetics (formerly Invitae), Labcorp
Classification: Likely benign for Familial cancer of breast; Fanconi anemia complementation group J. Last evaluated: 2025-01-14. Review status: criteria provided, single submitter. Criteria: Invitae Variant Classification Sherloc (09022015). Collection method: clinical testing. Allele origin: germline.

GeneDx
Classification: Likely benign. Last evaluated: 2017-01-30. Review status: criteria provided, single submitter. Criteria: GeneDx Variant Classification (06012015). Collection method: clinical testing. Allele origin: germline. Affected: yes.
Comment: This variant is considered likely benign or benign based on one or more of the following criteria: it is a conservative change, it occurs at a poorly conserved position in the protein, it is predicted to be benign by multiple in silico algorithms, and/or has population frequency not consistent with disease.

NM_032043.3(BRIP1):c.2906-18dup

Gene: BRIP1 (BRCA1 interacting DNA helicase 1; minus strand). Cytogenetic location: 17q23.2.
Variant type: Duplication.
Coding change: c.2906-18dup on transcript NM_032043.3 (MANE Select); 18 bases into the intron before coding-DNA position 2906, one base duplicated (A; older notation c.2906-18dupA).
Molecular consequence: intron variant.
Genome position (GRCh38, 1-based): chr17:61,684,156, T duplicated on the plus strand (A on the coding strand, the reverse complement: BRIP1 is on the minus strand); the first of 3 consecutive T bases (chr17:61,684,156-61,684,158); duplicating any one gives the same sequence. VCF-style (leftmost placement, unchanged base first): chr17-61684155-A-AT. GRCh37 (hg19) VCF-style: chr17-59761516-A-AT.
Other names: c.2906-16dupA (NM_032043.2).
Identifiers: ClinVar variation 517046 (VCV000517046.5), dbSNP rs1456830185, ClinGen allele CA658798922.